The following is an entry in ClinVar:

ClinVar aggregate classification (germline): Benign/Likely benign. Review status: criteria provided, multiple submitters, no conflicts (2 of 4 stars). 7 submissions from 7 submitters: Benign (3); Likely benign (4). Last evaluated 2025-12-03.

Conditions:
Arrhythmogenic cardiomyopathy with wooly hair and keratoderma. Also called: Arrhythmogenic cardiomyopathy with woolly hair and keratoderma; PALMOPLANTAR KERATODERMA WITH LEFT VENTRICULAR CARDIOMYOPATHY AND WOOLLY HAIR; Carvajal syndrome; Dilated cardiomyopathy with woolly hair and keratoderma. Identifiers: Orphanet 65282, MedGen C1854063, MONDO:0011581, OMIM 605676.
Cardiovascular phenotype. Identifiers: MedGen CN230736.
Arrhythmogenic right ventricular dysplasia 8 (ARVD8). Also called: Arrhythmogenic Right Ventricular Dysplasia/Cardiomyopathy 8; ARRHYTHMOGENIC RIGHT VENTRICULAR DYSPLASIA, FAMILIAL, 8; ARRHYTHMOGENIC RIGHT VENTRICULAR CARDIOMYOPATHY 8. Identifiers: MedGen C1843896, MONDO:0011831, OMIM 607450.
Cardiomyopathy (CMYO). Also called: Cardiomyopathies. Identifiers: Orphanet 167848, MedGen C0878544, MONDO:0004994, HP:0001638. Inheritance: Various modes of inheritance.

Allele frequency attached by ClinVar (database versions not stated): gnomAD exomes 0.00002 and 0.00009; ExAC 0.00005; TOPMed 0.00008; gnomAD 0.00011.
gnomAD v4.1: 51 of 1,614,052 alleles (0.0032%); highest among the groups gnomAD compares: Admixed American, 0.063%; no homozygotes.

Submissions (7):

Labcorp Genetics (formerly Invitae), Labcorp
Classification: Likely benign for Arrhythmogenic cardiomyopathy with wooly hair and keratoderma; Arrhythmogenic right ventricular dysplasia 8. Last evaluated: 2025-12-03. Review status: criteria provided, single submitter. Criteria: Invitae Variant Classification Sherloc (09022015). Collection method: clinical testing. Allele origin: germline.

Molecular Diagnostic Laboratory for Inherited Cardiovascular Disease, Montreal Heart Institute
Classification: Likely benign. Last evaluated: 2025-02-17. Review status: criteria provided, single submitter. Criteria: ACMG Guidelines, 2015. Collection method: clinical testing. Allele origin: germline. Affected: no.

ARUP Laboratories, Molecular Genetics and Genomics, ARUP Laboratories
Classification: Likely benign. Last evaluated: 2023-11-14. Review status: criteria provided, single submitter. Criteria: ARUP Molecular Germline Variant Investigation Process 2024. Collection method: clinical testing. Allele origin: germline.

All of Us Research Program, National Institutes of Health
Classification: Benign for Arrhythmogenic cardiomyopathy with wooly hair and keratoderma. Last evaluated: 2023-10-12. Review status: criteria provided, single submitter. Criteria: ACMG Guidelines, 2015. Collection method: clinical testing. Allele origin: germline. Inheritance: Autosomal dominant inheritance. Observed: 7 variant alleles, 7 heterozygotes.
Comment: This study involves interpretation of variants in research participants for the purpose of population health screening. Participant phenotype was not available at the time of variant classification. Additional details can be found in publication PMID: 35346344, PMCID: PMC8962531

Color Diagnostics, LLC DBA Color Health
Classification: Benign for Cardiomyopathy. Last evaluated: 2020-02-18. Review status: criteria provided, single submitter. Criteria: ACMG Guidelines, 2015. Collection method: clinical testing. Allele origin: germline.

Ambry Genetics
Classification: Likely benign for Cardiovascular phenotype. Last evaluated: 2019-11-17. Review status: criteria provided, single submitter. Criteria: Ambry Variant Classification Scheme 2023. Collection method: clinical testing. Allele origin: germline.

GeneDx
Classification: Benign. Last evaluated: 2017-01-27. Review status: criteria provided, single submitter. Criteria: GeneDx Variant Classification (06012015). Collection method: clinical testing. Allele origin: germline. Affected: yes.
Comment: This variant is considered likely benign or benign based on one or more of the following criteria: it is a conservative change, it occurs at a poorly conserved position in the protein, it is predicted to be benign by multiple in silico algorithms, and/or has population frequency not consistent with disease.

NM_004415.4(DSP):c.6753G>A (p.Lys2251=)

Gene: DSP (desmoplakin; plus strand). Cytogenetic location: 6p24.3.
Variant type: single nucleotide variant.
Coding change: c.6753G>A on transcript NM_004415.4 (MANE Select); coding-DNA position 6753, G replaced by A.
Protein change: p.Lys2251=; no amino-acid change (lysine 2251 retained).
Molecular consequence: synonymous variant.
Genome position (GRCh38, 1-based): chr6:7,584,015, G>A. VCF-style: chr6-7584015-G-A. GRCh37 (hg19) VCF-style: chr6-7584248-G-A.
Other names: c.6753G>A (LRG_423t1, NM_004415.3); c.4956G>A, p.Lys1652= (NM_001008844.3); c.5424G>A, p.Lys1808= (NM_001319034.2).
Identifiers: ClinVar variation 413272 (VCV000413272.17), dbSNP rs750294829, ClinGen allele CA048356.
Genomic context (GRCh38, chr6:7,584,015, plus strand): 5'-CACTGTCAATGAACTGGAATCTGGTCAGATTTCTTATGACGAGGTTGGTGAGAGAATTAA[G>A]GACTTCCTCCAGGGTTCAAGCTGCATAGCAGGCATATACAATGAGACCACAAAACAGAAG-3'
Protein context (NP_004406.2, residues 2241-2261): ISYDEVGERI[Lys2251=]DFLQGSSCIA